The following is an entry in ClinVar:

NM_000487.6(ARSA):c.1256C>A (p.Ser419Tyr)

Gene: ARSA (arylsulfatase A; minus strand). Cytogenetic location: 22q13.33.
Variant type: single nucleotide variant.
Coding change: c.1256C>A on transcript NM_000487.6 (MANE Select); coding-DNA position 1256, C replaced by A.
Protein change: p.Ser419Tyr; replaces serine 419 with tyrosine.
Molecular consequence: missense variant.
Genome position (GRCh38, 1-based): chr22:50,625,419, G>T on the plus strand (C>A on the coding strand, the complement: ARSA is on the minus strand). VCF-style: chr22-50625419-G-T. GRCh37 (hg19) VCF-style: chr22-51063847-G-T.
Other names: c.1256C>A, p.Ser419Tyr (NM_001085425.3, NM_001085426.3, NM_001085427.3); c.998C>A, p.Ser333Tyr (NM_001085428.3, NM_001362782.2); short protein forms S419Y, S333Y.
Identifiers: ClinVar variation 1371239 (VCV001371239.7), dbSNP rs998702737, ClinGen allele CA325531228.

ClinVar aggregate classification (germline): Uncertain significance (1 of 4 stars; one submission).

Conditions:
Metachromatic leukodystrophy (MLD). Also called: ARSA DEFICIENCY; CEREBROSIDE SULFATASE DEFICIENCY; METACHROMATIC LEUKOENCEPHALOPATHY; SULFATIDE LIPIDOSIS; Cerebral sclerosis diffuse metachromatic form; Arylsulfatase A Deficiency. Identifiers: Orphanet 512, MedGen C0023522, MONDO:0018868, OMIM 250100.

Allele frequency attached by ClinVar (database versions not stated): gnomAD exomes below 0.00001; TOPMed below 0.00001.
gnomAD v4.1: 6 of 1,596,670 alleles (0.00038%); highest among the groups gnomAD compares: Admixed American, 0.0017%; no homozygotes.

Submission:

Labcorp Genetics (formerly Invitae), Labcorp
Classification: Uncertain significance for Metachromatic leukodystrophy. Last evaluated: 2023-08-24. Review status: criteria provided, single submitter. Criteria: Invitae Variant Classification Sherloc (09022015). Collection method: clinical testing. Allele origin: germline.
Comment: This sequence change replaces serine, which is neutral and polar, with tyrosine, which is neutral and polar, at codon 419 of the ARSA protein (p.Ser419Tyr). In summary, the available evidence is currently insufficient to determine the role of this variant in disease. Therefore, it has been classified as a Variant of Uncertain Significance. Algorithms developed to predict the effect of sequence changes on RNA splicing suggest that this variant may create or strengthen a splice site. Advanced modeling of protein sequence and biophysical properties (such as structural, functional, and spatial information, amino acid conservation, physicochemical variation, residue mobility, and thermodynamic stability) has been performed at Invitae for this missense variant, however the output from this modeling did not meet the statistical confidence thresholds required to predict the impact of this variant on ARSA protein function. ClinVar contains an entry for this variant (Variation ID: 1371239). This variant has not been reported in the literature in individuals affected with ARSA-related conditions. The frequency data for this variant in the population databases is considered unreliable, as metrics indicate poor data quality at this position in the gnomAD database.